The following is an entry in ClinVar:

ClinVar aggregate classification (germline): Uncertain significance. Review status: criteria provided, multiple submitters, no conflicts (2 of 4 stars). 2 submissions from 2 submitters: Uncertain significance (2). Last evaluated 2026-09-23.

Conditions:
EP300-related disorder. Also called: EP300-related disorders; EP300-related condition.
Rubinstein-Taybi syndrome due to EP300 haploinsufficiency. Also called: EP300-Related Rubinstein-Taybi Syndrome; RUBINSTEIN-TAYBI SYNDROME 2. Identifiers: Orphanet 353284, Orphanet 783, MedGen C3150941, MONDO:0013364, OMIM 613684.

Submissions (2):

PreventionGenetics, part of Exact Sciences
Classification: Uncertain significance for EP300-related condition. Last evaluated: 2026-09-23. Review status: criteria provided, single submitter. Criteria: ACMG Guidelines, 2015. Collection method: clinical testing. Allele origin: germline.
Comment: The EP300 c.88G>A variant is predicted to result in the amino acid substitution p.Gly30Ser. To our knowledge, this variant has not been reported in the literature or in a large population database (gnomAD), indicating this variant is rare. At this time, the clinical significance of this variant is uncertain due to the absence of conclusive functional and genetic evidence.

Labcorp Genetics (formerly Invitae), Labcorp
Classification: Uncertain significance for Rubinstein-Taybi syndrome due to EP300 haploinsufficiency. Last evaluated: 2024-01-07. Review status: criteria provided, single submitter. Criteria: Invitae Variant Classification Sherloc (09022015). Collection method: clinical testing. Allele origin: germline.
Comment: This sequence change replaces glycine, which is neutral and non-polar, with serine, which is neutral and polar, at codon 30 of the EP300 protein (p.Gly30Ser). This variant is not present in population databases (gnomAD no frequency). This variant has not been reported in the literature in individuals affected with EP300-related conditions. ClinVar contains an entry for this variant (Variation ID: 2629224). Advanced modeling of protein sequence and biophysical properties (such as structural, functional, and spatial information, amino acid conservation, physicochemical variation, residue mobility, and thermodynamic stability) performed at Invitae indicates that this missense variant is not expected to disrupt EP300 protein function with a negative predictive value of 95%. In summary, the available evidence is currently insufficient to determine the role of this variant in disease. Therefore, it has been classified as a Variant of Uncertain Significance.

NM_001429.4(EP300):c.88G>A (p.Gly30Ser)

Genes: EP300 (EP300 lysine acetyltransferase; plus strand), LOC130067530 (ATAC-STARR-seq lymphoblastoid active region 19106; plus strand). Cytogenetic location: 22q13.2.
Variant type: single nucleotide variant.
Coding change: c.88G>A on transcript NM_001429.4 (MANE Select); coding-DNA position 88, G replaced by A.
Protein change: p.Gly30Ser; replaces glycine 30 with serine.
Molecular consequence: missense variant.
Genome position (GRCh38, 1-based): chr22:41,093,092, G>A. VCF-style: chr22-41093092-G-A. GRCh37 (hg19) VCF-style: chr22-41489096-G-A.
Other names: c.88G>A, p.Gly30Ser (NM_001362843.2); short protein forms G30S.
Identifiers: ClinVar variation 2629224 (VCV002629224.3), dbSNP rs2145665814, ClinGen allele CA411679526.